The following is an entry in ClinVar:

ClinVar aggregate classification (germline): Pathogenic (1 of 4 stars; one submission).

Conditions:
Familial adenomatous polyposis 1 (FAP1). Also called: FAMILIAL ADENOMATOUS POLYPOSIS 1, ATTENUATED; POLYPOSIS, ADENOMATOUS INTESTINAL. Identifiers: MedGen C2713442, MONDO:0021056, OMIM 175100. Disease mechanism: loss of function.

Submission:

Labcorp Genetics (formerly Invitae), Labcorp
Classification: Pathogenic for Familial adenomatous polyposis 1. Last evaluated: 2022-10-27. Review status: criteria provided, single submitter. Criteria: Invitae Variant Classification Sherloc (09022015). Collection method: clinical testing. Allele origin: germline.
Comment: This variant is a gross deletion of the genomic region encompassing exon(s) 5 of the APC gene. This deletion is out-of-frame, and is expected to create a premature termination codon and result in an absent or disrupted protein product. Loss-of-function variants in APC are known to be pathogenic (PMID: 17963004, 20685668). A similar copy number variant has been observed in individual(s) with familial adenomatous polyposis (FAP) (PMID: 9585611, 18433509, 20223039, 25159889). This variant is also known as deletion of exon 4. For these reasons, this variant has been classified as Pathogenic.

Literature cited by the submitters: PubMed 17963004; PubMed 20685668; PubMed 9585611; PubMed 18433509; PubMed 20223039; PubMed 25159889.

NC_000005.9:g.(?_112111314)_(112111444_?)del

Gene: APC (APC regulator of Wnt signaling pathway; plus strand). Cytogenetic location: 5q22.2.
Variant type: Deletion.
Identifiers: ClinVar variation 1069153 (VCV001069153.43).